The following is an entry in ClinVar:

NM_001003787.4(STRADA):c.944C>T (p.Ser315Leu)

Gene: STRADA (STE20 related adaptor alpha; minus strand). Cytogenetic location: 17q23.3.
Variant type: single nucleotide variant.
Coding change: c.944C>T on transcript NM_001003787.4 (MANE Select); coding-DNA position 944, C replaced by T.
Protein change: p.Ser315Leu; replaces serine 315 with leucine.
Molecular consequence: missense variant. On other transcripts: non-coding transcript variant (1).
Genome position (GRCh38, 1-based): chr17:63,704,497, G>A on the plus strand (C>T on the coding strand, the complement: STRADA is on the minus strand). VCF-style: chr17-63704497-G-A. GRCh37 (hg19) VCF-style: chr17-61781857-G-A.
Other names: c.833C>T, p.Ser278Leu (NM_001003786.3, NM_001363789.1, NM_153335.6); c.770C>T, p.Ser257Leu (NM_001003788.3, NM_001363790.1, NM_001363791.1); c.857C>T, p.Ser286Leu (NM_001165969.2, NM_001363787.1); c.812C>T, p.Ser271Leu (NM_001165970.2); c.920C>T, p.Ser307Leu (NM_001363786.1); c.944C>T, p.Ser315Leu (NM_001363788.1); short protein forms S271L, S257L, S286L, S307L, S278L, S315L.
Identifiers: ClinVar variation 960914 (VCV000960914.7), dbSNP rs375825074, ClinGen allele CA8703175.

ClinVar aggregate classification (germline): Uncertain significance (1 of 4 stars; one submission).

Conditions:
Polyhydramnios, megalencephaly, and symptomatic epilepsy (PMSE). Also called: PMSE SYNDROME. Identifiers: Orphanet 500533, MedGen C1970203, MONDO:0012611, OMIM 611087.

Allele frequency attached by ClinVar (database versions not stated): gnomAD exomes 0.00001 and 0.00002; ExAC 0.00003; gnomAD 0.00006; ESP Exome Variant Server 0.00008; TOPMed 0.00009.
gnomAD v4.1: 47 of 1,611,958 alleles (0.0029%); highest among the groups gnomAD compares: African/African-American, 0.021%; no homozygotes.

Submission:

Labcorp Genetics (formerly Invitae), Labcorp
Classification: Uncertain significance for Polyhydramnios, megalencephaly, and symptomatic epilepsy. Last evaluated: 2022-10-17. Review status: criteria provided, single submitter. Criteria: Invitae Variant Classification Sherloc (09022015). Collection method: clinical testing. Allele origin: germline.
Comment: This sequence change replaces serine, which is neutral and polar, with leucine, which is neutral and non-polar, at codon 315 of the STRADA protein (p.Ser315Leu). This variant is present in population databases (rs375825074, gnomAD 0.007%). This variant has not been reported in the literature in individuals affected with STRADA-related conditions. ClinVar contains an entry for this variant (Variation ID: 960914). Algorithms developed to predict the effect of missense changes on protein structure and function are either unavailable or do not agree on the potential impact of this missense change (SIFT: "Tolerated"; PolyPhen-2: "Probably Damaging"; Align-GVGD: "Class C0"). In summary, the available evidence is currently insufficient to determine the role of this variant in disease. Therefore, it has been classified as a Variant of Uncertain Significance.